The following is an entry in ClinVar:

ClinVar aggregate classification (germline): Uncertain significance (1 of 4 stars; one submission).

Allele frequency attached by ClinVar (database versions not stated): ExAC 0.00002; gnomAD 0.00002; gnomAD exomes 0.00002; TOPMed 0.00002.
gnomAD v4.1: 25 of 1,613,692 alleles (0.0015%); highest among the groups gnomAD compares: Non-Finnish European, 0.0021%; no homozygotes.

Submission:

Labcorp Genetics (formerly Invitae), Labcorp
Classification: Uncertain significance. Last evaluated: 2022-09-07. Review status: criteria provided, single submitter. Criteria: Invitae Variant Classification Sherloc (09022015). Collection method: clinical testing. Allele origin: germline.
Comment: This sequence change replaces asparagine, which is neutral and polar, with serine, which is neutral and polar, at codon 149 of the SCP2 protein (p.Asn149Ser). This variant is present in population databases (rs534506611, gnomAD 0.004%). This variant has not been reported in the literature in individuals affected with SCP2-related conditions. ClinVar contains an entry for this variant (Variation ID: 1348302). Algorithms developed to predict the effect of missense changes on protein structure and function (SIFT, PolyPhen-2, Align-GVGD) all suggest that this variant is likely to be tolerated. Algorithms developed to predict the effect of sequence changes on RNA splicing suggest that this variant may disrupt the consensus splice site. In summary, the available evidence is currently insufficient to determine the role of this variant in disease. Therefore, it has been classified as a Variant of Uncertain Significance.

NM_002979.5(SCP2):c.446A>G (p.Asn149Ser)

Gene: SCP2 (sterol carrier protein 2; plus strand). Cytogenetic location: 1p32.3.
Variant type: single nucleotide variant.
Coding change: c.446A>G on transcript NM_002979.5 (MANE Select); coding-DNA position 446, A replaced by G.
Protein change: p.Asn149Ser; replaces asparagine 149 with serine.
Molecular consequence: missense variant.
Genome position (GRCh38, 1-based): chr1:52,961,552, A>G. VCF-style: chr1-52961552-A-G. GRCh37 (hg19) VCF-style: chr1-53427224-A-G.
Other names: c.314A>G, p.Asn105Ser (NM_001007098.3, NM_001193600.2); c.374A>G, p.Asn125Ser (NM_001193599.2); c.203A>G, p.Asn68Ser (NM_001193617.2); c.446A>G, p.Asn149Ser (NM_001330587.2); short protein forms N125S, N105S, N149S, N68S.
Identifiers: ClinVar variation 1348302 (VCV001348302.5), dbSNP rs534506611, ClinGen allele CA857118.